The following is an entry in ClinVar:

ClinVar aggregate classification (germline): Likely benign (0 of 4 stars; one submission).

Conditions:
SETX-related disorder. Also called: SETX-related disorders; SETX-related condition. Identifiers: MedGen CN239403.

Allele frequency attached by ClinVar (database versions not stated): TOPMed 0.00001; gnomAD 0.00003; ExAC 0.00007; 1000 Genomes Project 0.00020; 1000 Genomes Project 30x 0.00047.
gnomAD v4.1: 50 of 1,613,780 alleles (0.0031%); highest among the groups gnomAD compares: South Asian, 0.047%; 1 homozygote.

Submission:

PreventionGenetics, part of Exact Sciences
Classification: Likely benign for SETX-related condition. Last evaluated: 2022-11-16. Review status: no assertion criteria provided. Collection method: clinical testing. Allele origin: germline.
Comment: This variant is classified as likely benign based on ACMG/AMP sequence variant interpretation guidelines (Richards et al. 2015 PMID: 25741868, with internal and published modifications).

NM_015046.7(SETX):c.177+5A>T

Gene: SETX (senataxin; minus strand). Cytogenetic location: 9q34.13.
Variant type: single nucleotide variant.
Coding change: c.177+5A>T on transcript NM_015046.7 (MANE Select); 5 bases into the intron after coding-DNA position 177, A replaced by T.
Molecular consequence: intron variant.
Genome position (GRCh38, 1-based): chr9:132,349,247, T>A on the plus strand (A>T on the coding strand, the complement: SETX is on the minus strand). VCF-style: chr9-132349247-T-A. GRCh37 (hg19) VCF-style: chr9-135224634-T-A.
Other names: c.177+5A>T (NM_001351528.2, NM_001351527.2).
Identifiers: ClinVar variation 3060510 (VCV003060510.2), dbSNP rs569799816, ClinGen allele CA5298118.